The following is an entry in ClinVar:

NM_004006.3(DMD):c.3476C>T (p.Thr1159Ile)

Gene: DMD (dystrophin; minus strand). Cytogenetic location: Xp21.1.
Variant type: single nucleotide variant.
Coding change: c.3476C>T on transcript NM_004006.3 (MANE Select); coding-DNA position 3476, C replaced by T.
Protein change: p.Thr1159Ile; replaces threonine 1159 with isoleucine.
Molecular consequence: missense variant.
Genome position (GRCh38, 1-based): chrX:32,454,789, G>A on the plus strand (C>T on the coding strand, the complement: DMD is on the minus strand). VCF-style: chrX-32454789-G-A. GRCh37 (hg19) VCF-style: chrX-32472906-G-A.
Other names: c.3452C>T, p.Thr1151Ile (NM_000109.4); c.3464C>T, p.Thr1155Ile (NM_004009.3); c.3107C>T, p.Thr1036Ile (NM_004010.3); short protein forms T1155I, T1159I, T1151I, T1036I.
Identifiers: ClinVar variation 1424467 (VCV001424467.6), dbSNP rs757041202, ClinGen allele CA10379259.
Genomic context (GRCh38, chrX:32,454,789, plus strand): 5'-TCTTCTTCAGCTTGTGTCATCCATTCGTGCATCTCTGATAGATCTTTCTGGAGGCTTACA[G>A]TTTTCTCCAAACCTCCCTTCAAGGCCTCCTTTCTGGCATAGACCTTCCACAAAACAAACA-3'
Protein context (NP_003997.2, residues 1149-1169): KEALKGGLEK[Thr1159Ile]VSLQKDLSEM

ClinVar aggregate classification (germline): Uncertain significance (1 of 4 stars; one submission).

Conditions:
Duchenne muscular dystrophy (DMD). Also called: MUSCULAR DYSTROPHY, PSEUDOHYPERTROPHIC PROGRESSIVE, DUCHENNE TYPE; Duchenne Muscular Dystrophy (DMD). Identifiers: Orphanet 98896, MedGen C0013264, MONDO:0010679, OMIM 310200.

Allele frequency attached by ClinVar (database versions not stated): gnomAD 0.00001; gnomAD exomes 0.00001; TOPMed 0.00002; ExAC 0.00001.
gnomAD v4.1: 8 of 1,204,742 alleles (0.00066%); highest among the groups gnomAD compares: Non-Finnish European, 0.0009%; no homozygotes.

Submission:

Labcorp Genetics (formerly Invitae), Labcorp
Classification: Uncertain significance for Duchenne muscular dystrophy. Last evaluated: 2026-01-10. Review status: criteria provided, single submitter. Criteria: Invitae Variant Classification Sherloc (09022015). Collection method: clinical testing. Allele origin: germline.
Comment: This sequence change replaces threonine, which is neutral and polar, with isoleucine, which is neutral and non-polar, at codon 1159 of the DMD protein (p.Thr1159Ile). This variant is present in population databases (rs757041202, gnomAD 0.003%). This variant has not been reported in the literature in individuals affected with DMD-related conditions. ClinVar contains an entry for this variant (Variation ID: 1424467). Invitae Evidence Modeling of protein sequence and biophysical properties (such as structural, functional, and spatial information, amino acid conservation, physicochemical variation, residue mobility, and thermodynamic stability) indicates that this missense variant is not expected to disrupt DMD protein function with a negative predictive value of 95%. In summary, the available evidence is currently insufficient to determine the role of this variant in disease. Therefore, it has been classified as a Variant of Uncertain Significance.